The following is an entry in ClinVar:

ClinVar aggregate classification (germline): Benign/Likely benign. Review status: criteria provided, multiple submitters, no conflicts (2 of 4 stars). 4 submissions from 4 submitters: Benign (1); Likely benign (3). Last evaluated 2026-09-01.

Allele frequency attached by ClinVar (database versions not stated): gnomAD exomes 0.00046 and 0.00198; gnomAD 0.00054; 1000 Genomes Project 30x 0.00219; TOPMed 0.00085; ExAC 0.00164; 1000 Genomes Project 0.00180; ESP Exome Variant Server 0.00008.
gnomAD v4.1: 776 of 1,614,148 alleles (0.048%); highest among the groups gnomAD compares: Admixed American, 1.2%; 7 homozygotes.

Submissions (4):

CeGaT Center for Human Genetics Tuebingen
Classification: Likely benign. Last evaluated: 2026-09-01. Review status: criteria provided, single submitter. Criteria: CeGaT Center For Human Genetics Tuebingen Variant Classification Criteria Version 2. Collection method: clinical testing. Allele origin: germline. Affected: yes. Observed: 15 variant alleles.
Comment: TTI2: BS1

Labcorp Genetics (formerly Invitae), Labcorp
Classification: Benign. Last evaluated: 2019-12-31. Review status: criteria provided, single submitter. Criteria: Invitae Variant Classification Sherloc (09022015). Collection method: clinical testing. Allele origin: germline.

Center for Pediatric Genomic Medicine, Children's Mercy Hospital and Clinics
Classification: Likely benign. Last evaluated: 2017-06-12. Review status: criteria provided, single submitter. Criteria: ACMG Guidelines, 2015. Collection method: clinical testing. Allele origin: germline.

Breakthrough Genomics
Classification: Likely benign. Review status: criteria provided, single submitter. Criteria: ACMG Guidelines, 2015. Collection method: not provided. Allele origin: germline. Inheritance: Autosomal recessive inheritance. Affected: yes.

NM_001102401.4(TTI2):c.581G>C (p.Gly194Ala)

Gene: TTI2 (TELO2 interacting protein 2; minus strand). Cytogenetic location: 8p12.
Variant type: single nucleotide variant.
Coding change: c.581G>C on transcript NM_001102401.4 (MANE Select); coding-DNA position 581, G replaced by C.
Protein change: p.Gly194Ala; replaces glycine 194 with alanine.
Molecular consequence: missense variant.
Genome position (GRCh38, 1-based): chr8:33,512,033, C>G on the plus strand (G>C on the coding strand, the complement: TTI2 is on the minus strand). VCF-style: chr8-33512033-C-G. GRCh37 (hg19) VCF-style: chr8-33369551-C-G.
Other names: c.581G>C, p.Gly194Ala (NM_001265581.2, NM_001330505.3, NM_025115.5); short protein forms G194A.
Identifiers: ClinVar variation 445746 (VCV000445746.13), dbSNP rs186443359, ClinGen allele CA4707319.